The following is an entry in ClinVar:

NM_024298.5(MBOAT7):c.571C>T (p.Leu191=)

Gene: MBOAT7 (membrane bound acylglycerophosphatidylinositol O-acyltransferase MBOAT7; minus strand). Cytogenetic location: 19q13.42.
Variant type: single nucleotide variant.
Coding change: c.571C>T on transcript NM_024298.5 (MANE Select); coding-DNA position 571, C replaced by T.
Protein change: p.Leu191=; no amino-acid change (leucine 191 retained).
Molecular consequence: synonymous variant.
Genome position (GRCh38, 1-based): chr19:54,181,056, G>A on the plus strand (C>T on the coding strand, the complement: MBOAT7 is on the minus strand). VCF-style: chr19-54181056-G-A. GRCh37 (hg19) VCF-style: chr19-54684773-G-A.
Other names: c.352C>T, p.Leu118= (NM_001146056.3, NM_001146083.3); c.571C>T, p.Leu191= (NM_001146082.3).
Identifiers: ClinVar variation 2650426 (VCV002650426.24), dbSNP rs2076255457, ClinGen allele CA2342733093.

ClinVar aggregate classification (germline): Likely benign (1 of 4 stars; one submission).

Allele frequency attached by ClinVar (database versions not stated): TOPMed below 0.00001.

Submission:

CeGaT Center for Human Genetics Tuebingen
Classification: Likely benign. Last evaluated: 2023-08-01. Review status: criteria provided, single submitter. Criteria: CeGaT Center For Human Genetics Tuebingen Variant Classification Criteria Version 2. Collection method: clinical testing. Allele origin: germline. Affected: yes. Observed: 1 variant allele.
Comment: MBOAT7: PM2:Supporting, BP4, BP7